The following is an entry in ClinVar:

ClinVar aggregate classification (germline): Uncertain significance (1 of 4 stars; one submission).

Allele frequency attached by ClinVar (database versions not stated): gnomAD exomes 0.00001 and 0.00002.

Submission:

Labcorp Genetics (formerly Invitae), Labcorp
Classification: Uncertain significance. Last evaluated: 2019-08-26. Review status: criteria provided, single submitter. Criteria: Invitae Variant Classification Sherloc (09022015). Collection method: clinical testing. Allele origin: germline.
Comment: This sequence change affects the initiator methionine of the GUCA1B mRNA. The next in-frame methionine is located at codon 30. In summary, the available evidence is currently insufficient to determine the role of this variant in disease. Therefore, it has been classified as a Variant of Uncertain Significance. This variant has not been reported in the literature in individuals with GUCA1B-related conditions. This variant is not present in population databases (ExAC no frequency).

NM_002098.6(GUCA1B):c.1A>G (p.Met1Val)

Gene: GUCA1B (guanylate cyclase activator 1B; minus strand). Cytogenetic location: 6p21.1.
Variant type: single nucleotide variant.
Coding change: c.1A>G on transcript NM_002098.6 (MANE Select); coding-DNA position 1, A replaced by G.
Protein change: p.Met1Val; changes the start codon (methionine 1).
Molecular consequence: missense variant, initiator codon variant.
Genome position (GRCh38, 1-based): chr6:42,194,820, T>C on the plus strand (A>G on the coding strand, the complement: GUCA1B is on the minus strand). VCF-style: chr6-42194820-T-C. GRCh37 (hg19) VCF-style: chr6-42162558-T-C.
Other names: short protein forms M1V.
Identifiers: ClinVar variation 939019 (VCV000939019.10), dbSNP rs1353019784, ClinGen allele CA364114234.